The following is an entry in ClinVar:

ClinVar aggregate classification (germline): Uncertain significance. Review status: criteria provided, multiple submitters, no conflicts (2 of 4 stars). 2 submissions from 2 submitters: Uncertain significance (2). Last evaluated 2023-09-28.

Conditions:
Ataxia-telangiectasia syndrome (AT). Also called: LOUIS-BAR SYNDROME; Cerebello-oculocutaneous telangiectasia; Immunodeficiency with ataxia telangiectasia; Ataxia telangiectasia (A-T); Ataxia-telangiectasia, complementation group D; AT, COMPLEMENTATION GROUP C. Identifiers: Orphanet 100, MedGen C0004135, MONDO:0008840, OMIM 208900.
Hereditary cancer-predisposing syndrome. Also called: Neoplastic Syndromes, Hereditary; Tumor predisposition; Hereditary Cancer Syndrome; Hereditary neoplastic syndrome. Identifiers: Orphanet 140162, MedGen C0027672, MeSH D009386, MONDO:0015356.

Submissions (2):

Ambry Genetics
Classification: Uncertain significance for Hereditary cancer-predisposing syndrome. Last evaluated: 2023-09-28. Review status: criteria provided, single submitter. Criteria: Ambry Variant Classification Scheme 2023. Collection method: clinical testing. Allele origin: germline.
Comment: The p.M2405L variant (also known as c.7213A>T), located in coding exon 48 of the ATM gene, results from an A to T substitution at nucleotide position 7213. The methionine at codon 2405 is replaced by leucine, an amino acid with highly similar properties. This amino acid position is highly conserved in available vertebrate species. In addition, the in silico prediction for this alteration is inconclusive. Since supporting evidence is limited at this time, the clinical significance of this alteration remains unclear.

Labcorp Genetics (formerly Invitae), Labcorp
Classification: Uncertain significance for Ataxia-telangiectasia syndrome. Last evaluated: 2022-09-21. Review status: criteria provided, single submitter. Criteria: Invitae Variant Classification Sherloc (09022015). Collection method: clinical testing. Allele origin: germline.
Comment: This sequence change replaces methionine, which is neutral and non-polar, with leucine, which is neutral and non-polar, at codon 2405 of the ATM protein (p.Met2405Leu). This variant is not present in population databases (gnomAD no frequency). This variant has not been reported in the literature in individuals affected with ATM-related conditions. Algorithms developed to predict the effect of missense changes on protein structure and function are either unavailable or do not agree on the potential impact of this missense change (SIFT: "Deleterious"; PolyPhen-2: "Possibly Damaging"; Align-GVGD: "Class C0"). In summary, the available evidence is currently insufficient to determine the role of this variant in disease. Therefore, it has been classified as a Variant of Uncertain Significance.

NM_000051.4(ATM):c.7213A>T (p.Met2405Leu)

Genes: ATM (ATM serine/threonine kinase; plus strand), C11orf65 (chromosome 11 open reading frame 65; minus strand). Cytogenetic location: 11q22.3.
Variant type: single nucleotide variant.
Coding change: c.7213A>T on transcript NM_000051.4 (MANE Select); coding-DNA position 7213, A replaced by T.
Protein change: p.Met2405Leu; replaces methionine 2405 with leucine.
Molecular consequence: missense variant. On other transcripts: intron variant (2).
Genome position (GRCh38, 1-based): chr11:108,329,144, A>T. VCF-style: chr11-108329144-A-T. GRCh37 (hg19) VCF-style: chr11-108199871-A-T.
Other names: c.7213A>T, p.Met2405Leu (NM_001351834.2); c.641-20073T>A (NM_001330368.2); c.*38+6076T>A (NM_001351110.2); short protein forms M2405L.
Identifiers: ClinVar variation 1513573 (VCV001513573.5), dbSNP rs587781323, ClinGen allele CA382559645.